The following is an entry in ClinVar:

NM_000038.6(APC):c.3633G>A (p.Met1211Ile)

Gene: APC (APC regulator of Wnt signaling pathway; plus strand). Cytogenetic location: 5q22.2.
Variant type: single nucleotide variant.
Coding change: c.3633G>A on transcript NM_000038.6 (MANE Select); coding-DNA position 3633, G replaced by A.
Protein change: p.Met1211Ile; replaces methionine 1211 with isoleucine.
Molecular consequence: missense variant.
Genome position (GRCh38, 1-based): chr5:112,839,227, G>A. VCF-style: chr5-112839227-G-A. GRCh37 (hg19) VCF-style: chr5-112174924-G-A.
Other names: c.3633G>A, p.Met1211Ile (NM_001127510.3, NM_001354895.2); c.3579G>A, p.Met1193Ile (NM_001127511.3); c.3687G>A, p.Met1229Ile (NM_001354896.2); c.3663G>A, p.Met1221Ile (NM_001354897.2); c.3558G>A, p.Met1186Ile (NM_001354898.2); c.3549G>A, p.Met1183Ile (NM_001354899.2); c.3510G>A, p.Met1170Ile (NM_001354900.2); c.3456G>A, p.Met1152Ile (NM_001354901.2); and 5 more; short protein forms M1120I, M1186I, M1229I, M928I, M1051I, M1193I, M1110I, M1152I.
Identifiers: ClinVar variation 836590 (VCV000836590.11), dbSNP rs1765480797, ClinGen allele CA16029309.

ClinVar aggregate classification (germline): Uncertain significance (1 of 4 stars; one submission).

Conditions:
Familial adenomatous polyposis 1 (FAP1). Also called: POLYPOSIS, ADENOMATOUS INTESTINAL; FAMILIAL ADENOMATOUS POLYPOSIS 1, ATTENUATED. Identifiers: MedGen C2713442, MONDO:0021056, OMIM 175100. Disease mechanism: loss of function.

Submission:

Labcorp Genetics (formerly Invitae), Labcorp
Classification: Uncertain significance for Familial adenomatous polyposis 1. Last evaluated: 2019-02-24. Review status: criteria provided, single submitter. Criteria: Invitae Variant Classification Sherloc (09022015). Collection method: clinical testing. Allele origin: germline.
Comment: This sequence change replaces methionine with isoleucine at codon 1211 of the APC protein (p.Met1211Ile). The methionine residue is weakly conserved and there is a small physicochemical difference between methionine and isoleucine. This variant is not present in population databases (ExAC no frequency). This variant has not been reported in the literature in individuals with APC-related conditions. Algorithms developed to predict the effect of missense changes on protein structure and function output the following: SIFT: "Tolerated"; PolyPhen-2: "Benign"; Align-GVGD: "Class C0". The isoleucine amino acid residue is found in multiple mammalian species, suggesting that this missense change does not adversely affect protein function. These predictions have not been confirmed by published functional studies and their clinical significance is uncertain. In summary, the available evidence is currently insufficient to determine the role of this variant in disease. Therefore, it has been classified as a Variant of Uncertain Significance.